The following is an entry in ClinVar:

ClinVar aggregate classification (germline): Likely benign. Review status: criteria provided, multiple submitters, no conflicts (2 of 4 stars). 2 submissions from 2 submitters: Likely benign (2). Last evaluated 2025-10-20.

Conditions:
Infantile myofibromatosis (IMF). Also called: Congenital generalized fibromatosis. Identifiers: Orphanet 2591, MedGen C0432284, MONDO:0016824.
Skeletal overgrowth-craniofacial dysmorphism-hyperelastic skin-white matter lesions syndrome. Also called: SKELETAL OVERGROWTH WITH FACIAL DYSMORPHISM, HYPERELASTIC SKIN, WHITE MATTER LESIONS, AND NEUROLOGIC DETERIORATION; Kosaki overgrowth syndrome. Identifiers: Orphanet 477831, MedGen C4225270, MONDO:0014704, OMIM 616592.
Acroosteolysis-keloid-like lesions-premature aging syndrome. Also called: Premature aging syndrome, Penttinen type; Prematurely aged appearance, delayed bone maturation, acro-osteolysis, and brachydactyly; Progeroid syndrome, Penttinen type. Identifiers: Orphanet 363665, MedGen C1866182, MONDO:0011150, OMIM 601812.
Basal ganglia calcification, idiopathic, 4 (PFBC4). Also called: Familial Idiopathic Basal Ganglia Calcification 4; PRIMARY FAMILIAL BRAIN CALCIFICATION 4, AUTOSOMAL DOMINANT. Identifiers: Orphanet 1980, MedGen C3554321, MONDO:0014004, OMIM 615007.

Allele frequency attached by ClinVar (database versions not stated): ExAC 0.00003; TOPMed 0.00006; gnomAD 0.00007; ESP Exome Variant Server 0.00008.
gnomAD v4.1: 76 of 1,613,042 alleles (0.0047%); highest among the groups gnomAD compares: Middle Eastern, 0.049%; no homozygotes.

Submissions (2):

Mayo Clinic Laboratories, Mayo Clinic
Classification: Likely benign. Last evaluated: 2025-10-20. Review status: criteria provided, single submitter. Criteria: ACMG Guidelines, 2015. Collection method: clinical testing. Allele origin: germline. Observed: 1 variant allele.
Comment: BS2, BP4

Labcorp Genetics (formerly Invitae), Labcorp
Classification: Likely benign for Basal ganglia calcification, idiopathic, 4; Skeletal overgrowth-craniofacial dysmorphism-hyperelastic skin-white matter lesions syndrome; Infantile myofibromatosis; Acroosteolysis-keloid-like lesions-premature aging syndrome. Last evaluated: 2023-06-03. Review status: criteria provided, single submitter. Criteria: Invitae Variant Classification Sherloc (09022015). Collection method: clinical testing. Allele origin: germline.

NM_002609.4(PDGFRB):c.4C>T (p.Arg2Trp)

Gene: PDGFRB (platelet derived growth factor receptor beta; minus strand). Cytogenetic location: 5q32.
Variant type: single nucleotide variant.
Coding change: c.4C>T on transcript NM_002609.4 (MANE Select); coding-DNA position 4, C replaced by T.
Protein change: p.Arg2Trp; replaces arginine 2 with tryptophan.
Molecular consequence: missense variant. On other transcripts: 5 prime UTR variant (1), intron variant (1).
Genome position (GRCh38, 1-based): chr5:150,137,044, G>A on the plus strand (C>T on the coding strand, the complement: PDGFRB is on the minus strand). VCF-style: chr5-150137044-G-A. GRCh37 (hg19) VCF-style: chr5-149516607-G-A.
Other names: p.Arg2Trp; c.-514C>T (NM_001355017.2); c.-152-1166C>T (NM_001355016.2); short protein forms R2W.
Identifiers: ClinVar variation 2940237 (VCV002940237.4), dbSNP rs148272095, ClinGen allele CA3508465.
Genomic context (GRCh38, chr5:150,137,044, plus strand): 5'-CTACCTTATCTCCCATCTACCCACCTTTGAGGGCCAGAGCTGGCATCGCACCCGGAAGCC[G>A]CATGGTGTCCTGCAGAGTTAAACAGGAGTCAGGGCCCAGGGCAGGTGGAGGCAGCGACAG-3'
Protein context (NP_002600.1, residues 1-12): M[Arg2Trp]LPGAMPALAL